The following is an entry in ClinVar:

NM_001111067.4(ACVR1):c.1348G>A (p.Val450Met)

Gene: ACVR1 (activin A receptor type 1; minus strand). Cytogenetic location: 2q24.1.
Variant type: single nucleotide variant.
Coding change: c.1348G>A on transcript NM_001111067.4 (MANE Select); coding-DNA position 1348, G replaced by A.
Protein change: p.Val450Met; replaces valine 450 with methionine.
Molecular consequence: missense variant.
Genome position (GRCh38, 1-based): chr2:157,738,487, C>T on the plus strand (G>A on the coding strand, the complement: ACVR1 is on the minus strand). VCF-style: chr2-157738487-C-T. GRCh37 (hg19) VCF-style: chr2-158594999-C-T.
Other names: c.1348G>A, p.Val450Met (NM_001105.5, NM_001347663.1, NM_001347664.1 and 3 more transcripts); short protein forms V450M.
Identifiers: ClinVar variation 1379334 (VCV001379334.6), dbSNP rs2105216859, ClinGen allele CA349187993.

ClinVar aggregate classification (germline): Uncertain significance (1 of 4 stars; one submission).

Allele frequency attached by ClinVar (database versions not stated): gnomAD exomes below 0.00001.
gnomAD v4.1: 1 of 1,614,140 alleles (0.000062%); highest among the groups gnomAD compares: East Asian, 0.0022%; no homozygotes.

Submission:

Labcorp Genetics (formerly Invitae), Labcorp
Classification: Uncertain significance. Last evaluated: 2021-09-03. Review status: criteria provided, single submitter. Criteria: Invitae Variant Classification Sherloc (09022015). Collection method: clinical testing. Allele origin: germline.
Comment: This sequence change replaces valine with methionine at codon 450 of the ACVR1 protein (p.Val450Met). The valine residue is highly conserved and there is a small physicochemical difference between valine and methionine. This variant is not present in population databases (ExAC no frequency). This variant has not been reported in the literature in individuals affected with ACVR1-related conditions. Algorithms developed to predict the effect of missense changes on protein structure and function are either unavailable or do not agree on the potential impact of this missense change (SIFT: "Deleterious"; PolyPhen-2: "Probably Damaging"; Align-GVGD: "Class C15"). In summary, the available evidence is currently insufficient to determine the role of this variant in disease. Therefore, it has been classified as a Variant of Uncertain Significance.